The following is an entry in ClinVar:

NM_001205293.3(CACNA1E):c.3362G>T (p.Arg1121Leu)

Gene: CACNA1E (calcium voltage-gated channel subunit alpha1 E; plus strand). Cytogenetic location: 1q25.3.
Variant type: single nucleotide variant.
Coding change: c.3362G>T on transcript NM_001205293.3 (MANE Select); coding-DNA position 3362, G replaced by T.
Protein change: p.Arg1121Leu; replaces arginine 1121 with leucine.
Molecular consequence: missense variant.
Genome position (GRCh38, 1-based): chr1:181,736,374, G>T. VCF-style: chr1-181736374-G-T. GRCh37 (hg19) VCF-style: chr1-181705510-G-T.
Other names: c.3362G>T, p.Arg1121Leu (NM_000721.4); c.3305G>T, p.Arg1102Leu (NM_001205294.2); short protein forms R1102L, R1121L.
Identifiers: ClinVar variation 1467469 (VCV001467469.6), dbSNP rs370899738, ClinGen allele CA343621653.

ClinVar aggregate classification (germline): Uncertain significance (1 of 4 stars; one submission).

gnomAD v4.1: 8 of 1,612,048 alleles (0.0005%); highest among the groups gnomAD compares: Non-Finnish European, 0.00068%; no homozygotes.

Submission:

Labcorp Genetics (formerly Invitae), Labcorp
Classification: Uncertain significance. Last evaluated: 2021-11-27. Review status: criteria provided, single submitter. Criteria: Invitae Variant Classification Sherloc (09022015). Collection method: clinical testing. Allele origin: germline.
Comment: In summary, the available evidence is currently insufficient to determine the role of this variant in disease. Therefore, it has been classified as a Variant of Uncertain Significance. Advanced modeling of protein sequence and biophysical properties (such as structural, functional, and spatial information, amino acid conservation, physicochemical variation, residue mobility, and thermodynamic stability) performed at Invitae indicates that this missense variant is not expected to disrupt CACNA1E protein function. This variant has not been reported in the literature in individuals affected with CACNA1E-related conditions. This variant is not present in population databases (gnomAD no frequency). This sequence change replaces arginine, which is basic and polar, with leucine, which is neutral and non-polar, at codon 1121 of the CACNA1E protein (p.Arg1121Leu).